The following is an entry in ClinVar:

ClinVar aggregate classification (germline): Likely benign. Review status: criteria provided, single submitter (1 of 4 stars). 2 submissions from 2 submitters: Likely benign (1). 1 of the submissions does not count toward it. Last evaluated 2023-08-30.

Conditions:
PCNT-related disorder. Also called: PCNT-related condition.

Allele frequency attached by ClinVar (database versions not stated): gnomAD 0.00005; 1000 Genomes Project 30x 0.00016; 1000 Genomes Project 0.00020.
gnomAD v4.1: 14 of 1,580,034 alleles (0.00089%); highest among the groups gnomAD compares: African/African-American, 0.0054%; no homozygotes.

Submissions (2):

Labcorp Genetics (formerly Invitae), Labcorp
Classification: Likely benign. Last evaluated: 2023-08-30. Review status: criteria provided, single submitter. Criteria: Invitae Variant Classification Sherloc (09022015). Collection method: clinical testing. Allele origin: germline.

PreventionGenetics, part of Exact Sciences
Classification: Likely benign for PCNT-related condition. Last evaluated: 2024-07-03. Review status: no assertion criteria provided. Collection method: clinical testing. Allele origin: germline. Not counted in ClinVar's aggregate classification.
Comment: This variant is classified as likely benign based on ACMG/AMP sequence variant interpretation guidelines (Richards et al. 2015 PMID: 25741868, with internal and published modifications).

NM_006031.6(PCNT):c.6801G>A (p.Ser2267=)

Gene: PCNT (pericentrin; plus strand). Cytogenetic location: 21q22.3.
Variant type: single nucleotide variant.
Coding change: c.6801G>A on transcript NM_006031.6 (MANE Select); coding-DNA position 6801, G replaced by A.
Protein change: p.Ser2267=; no amino-acid change (serine 2267 retained).
Molecular consequence: synonymous variant.
Genome position (GRCh38, 1-based): chr21:46,416,719, G>A. VCF-style: chr21-46416719-G-A. GRCh37 (hg19) VCF-style: chr21-47836633-G-A.
Other names: c.6801G>A (NM_006031.5); c.6447G>A, p.Ser2149= (NM_001315529.2).
Identifiers: ClinVar variation 2979456 (VCV002979456.4), dbSNP rs182322703, ClinGen allele CA322000305.
Genomic context (GRCh38, chr21:46,416,719, plus strand): 5'-CTCAGGAGCCCTGAGCCTGTGCAGTGCCGACACATCCCTGGGGGACAGGGCGGACACCTC[G>A]CTGCCACAGACCCAGGGGCCGGGGCTGCTTTGTTCCCCAGGCGTGTCTGCAGCAGCGCTG-3'
Protein context (NP_006022.3, residues 2257-2277): DTSLGDRADT[Ser2267=]LPQTQGPGLL